The following is an entry in ClinVar:

ClinVar aggregate classification (germline): Pathogenic. Review status: criteria provided, multiple submitters, no conflicts (2 of 4 stars). 2 submissions from 2 submitters: Pathogenic (2). Last evaluated 2026-04-17.

Conditions:
Cardiovascular phenotype. Identifiers: MedGen CN230736.
Hereditary cancer-predisposing syndrome. Also called: Hereditary neoplastic syndrome; Neoplastic Syndromes, Hereditary; Tumor predisposition; Hereditary Cancer Syndrome. Identifiers: Orphanet 140162, MedGen C0027672, MeSH D009386, MONDO:0015356.
Neurofibromatosis, type 1 (NF1). Also called: Peripheral type neurofibromatosis; NEUROFIBROMATOSIS, TYPE I, SOMATIC; Neurofibromatosis, type I; VON RECKLINGHAUSEN DISEASE. Identifiers: Orphanet 636, MedGen C0027831, MONDO:0018975, OMIM 162200. Disease mechanism: loss of function.

Submissions (2):

Ambry Genetics
Classification: Pathogenic for Cardiovascular phenotype; Hereditary cancer-predisposing syndrome. Last evaluated: 2026-04-17. Review status: criteria provided, single submitter. Criteria: Ambry Variant Classification Scheme 2023. Collection method: clinical testing. Allele origin: germline.
Comment: The c.5672dupG pathogenic mutation, located in coding exon 38 of the NF1 gene, results from a duplication of G at nucleotide position 5672, causing a translational frameshift with a predicted alternate stop codon (p.S1891Rfs*2). This variant was reported in individual(s) with features consistent with neurofibromatosis type 1 (Ambry internal data). This variant is considered to be rare based on population cohorts in the Genome Aggregation Database (gnomAD). This alteration is expected to result in loss of function by premature protein truncation or nonsense-mediated mRNA decay. As such, this alteration is interpreted as a disease-causing mutation.

Labcorp Genetics (formerly Invitae), Labcorp
Classification: Pathogenic for Neurofibromatosis, type 1. Last evaluated: 2023-02-08. Review status: criteria provided, single submitter. Criteria: Invitae Variant Classification Sherloc (09022015). Collection method: clinical testing. Allele origin: germline.
Comment: This sequence change creates a premature translational stop signal (p.Ser1891Argfs*2) in the NF1 gene. It is expected to result in an absent or disrupted protein product. Loss-of-function variants in NF1 are known to be pathogenic (PMID: 10712197, 23913538). This variant is not present in population databases (gnomAD no frequency). This variant has not been reported in the literature in individuals affected with NF1-related conditions. For these reasons, this variant has been classified as Pathogenic. Algorithms developed to predict the effect of sequence changes on RNA splicing suggest that this variant may disrupt the consensus splice site.

Literature cited by the submitters: PubMed 10712197 (cited by Labcorp Genetics (formerly Invitae), Labcorp); PubMed 23913538 (cited by Labcorp Genetics (formerly Invitae), Labcorp).

NM_001042492.3(NF1):c.5735dup (p.Ser1912fs)

Gene: NF1 (neurofibromin 1; plus strand). Cytogenetic location: 17q11.2.
Variant type: Duplication.
Coding change: c.5735dup on transcript NM_001042492.3 (MANE Select); coding-DNA position 5735, one base duplicated (G; older notation c.5735dupG).
Protein change: p.Ser1912fs; shifts the reading frame from serine 1912.
Molecular consequence: frameshift variant.
Genome position (GRCh38, 1-based): chr17:31,330,421, G duplicated. VCF-style (leftmost placement, unchanged base first): chr17-31330420-A-AG. GRCh37 (hg19) VCF-style: chr17-29657438-A-AG.
Other names: c.5672dup, p.Ser1891Argfs (NM_000267.4); c.5672dupG (NM_000267.3); short protein forms S1891fs, S1912fs.
Identifiers: ClinVar variation 2835276 (VCV002835276.4), dbSNP rs2508718930, ClinGen allele CA2739267475.